The following is an entry in ClinVar:

ClinVar aggregate classification (germline): Uncertain significance (1 of 4 stars; one submission).

Submission:

Women's Health and Genetics/Laboratory Corporation of America, LabCorp
Classification: Uncertain significance. Last evaluated: 2024-02-07. Review status: criteria provided, single submitter. Criteria: LabCorp Variant Classification Summary - May 2015. Collection method: clinical testing. Allele origin: germline.
Comment: Variant summary: ZEB2 c.1715T>G (p.Ile572Ser) results in a non-conservative amino acid change in the encoded protein sequence. Three of five in-silico tools predict a benign effect of the variant on protein function. The variant was absent in 250802 control chromosomes. The available data on variant occurrences in the general population are insufficient to allow any conclusion about variant significance. To our knowledge, no occurrence of c.1715T>G in individuals affected with Mowat-Wilson Syndrome and no experimental evidence demonstrating its impact on protein function have been reported. No submitters have cited clinical-significance assessments for this variant to ClinVar. Based on the evidence outlined above, the variant was classified as uncertain significance.

NM_014795.4(ZEB2):c.1715T>G (p.Ile572Ser)

Gene: ZEB2 (zinc finger E-box binding homeobox 2; minus strand). Cytogenetic location: 2q22.3.
Variant type: single nucleotide variant.
Coding change: c.1715T>G on transcript NM_014795.4 (MANE Select); coding-DNA position 1715, T replaced by G.
Protein change: p.Ile572Ser; replaces isoleucine 572 with serine.
Molecular consequence: missense variant.
Genome position (GRCh38, 1-based): chr2:144,399,472, A>C on the plus strand (T>G on the coding strand, the complement: ZEB2 is on the minus strand). VCF-style: chr2-144399472-A-C. GRCh37 (hg19) VCF-style: chr2-145157039-A-C.
Other names: c.1643T>G, p.Ile548Ser (NM_001171653.2); short protein forms I548S, I572S.
Identifiers: ClinVar variation 3069088 (VCV003069088.2), dbSNP rs753427742, ClinGen allele CA348710354.